The following is an entry in ClinVar:

ClinVar aggregate classification (germline): Uncertain significance (1 of 4 stars; one submission).

Submission:

Labcorp Genetics (formerly Invitae), Labcorp
Classification: Uncertain significance. Last evaluated: 2025-06-09. Review status: criteria provided, single submitter. Criteria: Invitae Variant Classification Sherloc (09022015). Collection method: clinical testing. Allele origin: germline.
Comment: This sequence change replaces proline, which is neutral and non-polar, with serine, which is neutral and polar, at codon 76 of the SCN3A protein (p.Pro76Ser). This variant is not present in population databases (gnomAD no frequency). This variant has not been reported in the literature in individuals affected with SCN3A-related conditions. ClinVar contains an entry for this variant (Variation ID: 3644129). Invitae Evidence Modeling of protein sequence and biophysical properties (such as structural, functional, and spatial information, amino acid conservation, physicochemical variation, residue mobility, and thermodynamic stability) indicates that this missense variant is expected to disrupt SCN3A protein function with a positive predictive value of 80%. In summary, the available evidence is currently insufficient to determine the role of this variant in disease. Therefore, it has been classified as a Variant of Uncertain Significance.

NM_006922.4(SCN3A):c.226C>T (p.Pro76Ser)

Gene: SCN3A (sodium voltage-gated channel alpha subunit 3; minus strand). Cytogenetic location: 2q24.3.
Variant type: single nucleotide variant.
Coding change: c.226C>T on transcript NM_006922.4 (MANE Select); coding-DNA position 226, C replaced by T.
Protein change: p.Pro76Ser; replaces proline 76 with serine.
Molecular consequence: missense variant.
Genome position (GRCh38, 1-based): chr2:165,176,169, G>A on the plus strand (C>T on the coding strand, the complement: SCN3A is on the minus strand). VCF-style: chr2-165176169-G-A. GRCh37 (hg19) VCF-style: chr2-166032679-G-A.
Other names: c.226C>T, p.Pro76Ser (NM_001081676.2, NM_001081677.2); short protein forms P76S.
Identifiers: ClinVar variation 3644129 (VCV003644129.2).